The following is an entry in ClinVar:

NM_021956.5(GRIK2):c.1962C>G (p.Asn654Lys)

Gene: GRIK2 (glutamate ionotropic receptor kainate type subunit 2; plus strand). Cytogenetic location: 6q16.3.
Variant type: single nucleotide variant.
Coding change: c.1962C>G on transcript NM_021956.5 (MANE Select); coding-DNA position 1962, C replaced by G.
Protein change: p.Asn654Lys; replaces asparagine 654 with lysine.
Molecular consequence: missense variant.
Genome position (GRCh38, 1-based): chr6:101,928,509, C>G. VCF-style: chr6-101928509-C-G. GRCh37 (hg19) VCF-style: chr6-102376384-C-G.
Other names: c.1962C>G, p.Asn654Lys (NM_001166247.1, NM_175768.3); short protein forms N654K.
Identifiers: ClinVar variation 1708761 (VCV001708761.2), dbSNP rs1382945672, ClinGen allele CA365308464.
Genomic context (GRCh38, chr6:101,928,509, plus strand): 5'-GATAGTGGGAGGCATTTGGTGGTTTTTCACACTTATCATCATTTCTTCGTATACTGCTAA[C>G]TTAGCCGCCTTTCTGACAGTGGAACGCATGGAATCCCCTATTGACTCTGCTGATGATTTA-3'
Protein context (NP_068775.1, residues 644-664): TLIIISSYTA[Asn654Lys]LAAFLTVERM

ClinVar aggregate classification (germline): Uncertain significance (1 of 4 stars; one submission).

Submission:

GeneDx
Classification: Uncertain significance. Last evaluated: 2022-04-08. Review status: criteria provided, single submitter. Criteria: GeneDx Variant Classification Process June 2021. Collection method: clinical testing. Allele origin: germline. Affected: yes.
Comment: Not observed at significant frequency in large population cohorts (gnomAD); In silico analysis supports that this missense variant has a deleterious effect on protein structure/function; Has not been previously published as pathogenic or benign to our knowledge